The following is an entry in ClinVar:

ClinVar aggregate classification (germline): Uncertain significance. Review status: criteria provided, multiple submitters, no conflicts (2 of 4 stars). 2 submissions from 2 submitters: Uncertain significance (2). Last evaluated 2024-12-04.

Conditions:
Melanoma, cutaneous malignant, susceptibility to, 8. Also called: Cutaneous malignant melanoma 8; MELANOMA AND RENAL CELL CARCINOMA, SUSCEPTIBILITY TO. Identifiers: Orphanet 293822, MedGen C3152204, MONDO:0013759, OMIM 614456.
Tietz syndrome (TADS). Also called: ALBINISM-DEAFNESS OF TIETZ; HYPOPIGMENTATION/DEAFNESS OF TIETZ; TIETZ ALBINISM-DEAFNESS SYNDROME. Identifiers: Orphanet 42665, MedGen C0391816, MONDO:0007077, OMIM 103500.
Waardenburg syndrome type 2A (WS2A). Also called: WAARDENBURG SYNDROME WITHOUT DYSTOPIA CANTHORUM. Identifiers: Orphanet 3440, MedGen C1860339, MONDO:0008671, OMIM 193510.
Hereditary cancer-predisposing syndrome. Also called: Neoplastic Syndromes, Hereditary; Tumor predisposition; Hereditary Cancer Syndrome; Hereditary neoplastic syndrome. Identifiers: Orphanet 140162, MedGen C0027672, MeSH D009386, MONDO:0015356.

Submissions (2):

Ambry Genetics
Classification: Uncertain significance for Hereditary cancer-predisposing syndrome. Last evaluated: 2024-12-04. Review status: criteria provided, single submitter. Criteria: Ambry Variant Classification Scheme 2023. Collection method: clinical testing. Allele origin: germline.
Comment: The p.L148S variant (also known as c.443T>C), located in coding exon 5 of the MITF gene, results from a T to C substitution at nucleotide position 443. The leucine at codon 148 is replaced by serine, an amino acid with dissimilar properties. This amino acid position is conserved. In addition, this alteration is predicted to be tolerated by in silico analysis. Based on the available evidence, the clinical significance of this variant remains unclear.

Labcorp Genetics (formerly Invitae), Labcorp
Classification: Uncertain significance for Melanoma, cutaneous malignant, susceptibility to, 8; Waardenburg syndrome type 2A; Tietz syndrome. Last evaluated: 2024-04-22. Review status: criteria provided, single submitter. Criteria: Invitae Variant Classification Sherloc (09022015). Collection method: clinical testing. Allele origin: germline.
Comment: This sequence change replaces leucine, which is neutral and non-polar, with serine, which is neutral and polar, at codon 148 of the MITF protein (p.Leu148Ser). This variant is not present in population databases (gnomAD no frequency). This variant has not been reported in the literature in individuals affected with MITF-related conditions. An algorithm developed to predict the effect of missense changes on protein structure and function (PolyPhen-2) suggests that this variant is likely to be disruptive. In summary, the available evidence is currently insufficient to determine the role of this variant in disease. Therefore, it has been classified as a Variant of Uncertain Significance.

NM_001354604.2(MITF):c.764T>C (p.Leu255Ser)

Gene: MITF (melanocyte inducing transcription factor; plus strand). Cytogenetic location: 3p13.
Variant type: single nucleotide variant.
Coding change: c.764T>C on transcript NM_001354604.2 (MANE Select); coding-DNA position 764, T replaced by C.
Protein change: p.Leu255Ser; replaces leucine 255 with serine.
Molecular consequence: missense variant.
Genome position (GRCh38, 1-based): chr3:69,949,052, T>C. VCF-style: chr3-69949052-T-C. GRCh37 (hg19) VCF-style: chr3-69998203-T-C.
Other names: c.443T>C, p.Leu148Ser (NM_000248.4, NM_198158.3); c.608T>C, p.Leu203Ser (NM_001184967.2, NM_001354608.2); c.761T>C, p.Leu254Ser (NM_001354605.2, NM_001354606.2, NM_006722.3); c.713T>C, p.Leu238Ser (NM_001354607.2); c.764T>C, p.Leu255Ser (NM_198159.3); c.716T>C, p.Leu239Ser (NM_198177.3); c.275T>C, p.Leu92Ser (NM_198178.3); short protein forms L254S, L255S, L92S, L148S, L238S, L203S, L239S.
Identifiers: ClinVar variation 2942004 (VCV002942004.4), dbSNP rs2471620779, ClinGen allele CA353561243.